The following is an entry in ClinVar:

NM_001793.6(CDH3):c.1154G>A (p.Ser385Asn)

Gene: CDH3 (cadherin 3; plus strand). Cytogenetic location: 16q22.1.
Variant type: single nucleotide variant.
Coding change: c.1154G>A on transcript NM_001793.6 (MANE Select); coding-DNA position 1154, G replaced by A.
Protein change: p.Ser385Asn; replaces serine 385 with asparagine.
Molecular consequence: missense variant.
Genome position (GRCh38, 1-based): chr16:68,682,459, G>A. VCF-style: chr16-68682459-G-A. GRCh37 (hg19) VCF-style: chr16-68716362-G-A.
Other names: c.1154G>A, p.Ser385Asn (NM_001317195.3); c.989G>A, p.Ser330Asn (NM_001317196.2); c.1154G>A (NM_001793.4); short protein forms S385N, S330N.
Identifiers: ClinVar variation 1475885 (VCV001475885.5), dbSNP rs763033529, ClinGen allele CA8129264.

ClinVar aggregate classification (germline): Uncertain significance. Review status: criteria provided, multiple submitters, no conflicts (2 of 4 stars). 3 submissions from 3 submitters: Uncertain significance (3). Last evaluated 2024-12-03.

Conditions:
Inborn genetic diseases. Identifiers: MedGen C0950123, MeSH D030342.

Allele frequency attached by ClinVar (database versions not stated): gnomAD 0.00001; TOPMed 0.00001; gnomAD exomes 0.00002 and 0.00004; ExAC 0.00003.
gnomAD v4.1: 12 of 1,614,004 alleles (0.00074%); highest among the groups gnomAD compares: Admixed American, 0.018%; no homozygotes.

Submissions (3):

GeneDx
Classification: Uncertain significance. Last evaluated: 2024-12-03. Review status: criteria provided, single submitter. Criteria: GeneDx Variant Classification Process June 2021. Collection method: clinical testing. Allele origin: germline. Affected: yes.
Comment: In silico analysis indicates that this missense variant does not alter protein structure/function; Has not been previously published as pathogenic or benign to our knowledge

Labcorp Genetics (formerly Invitae), Labcorp
Classification: Uncertain significance. Last evaluated: 2022-07-19. Review status: criteria provided, single submitter. Criteria: Invitae Variant Classification Sherloc (09022015). Collection method: clinical testing. Allele origin: germline.
Comment: This sequence change replaces serine, which is neutral and polar, with asparagine, which is neutral and polar, at codon 385 of the CDH3 protein (p.Ser385Asn). This variant is present in population databases (rs763033529, gnomAD 0.02%). This variant has not been reported in the literature in individuals affected with CDH3-related conditions. ClinVar contains an entry for this variant (Variation ID: 1475885). Algorithms developed to predict the effect of missense changes on protein structure and function output the following: SIFT: "Not Available"; PolyPhen-2: "Benign"; Align-GVGD: "Not Available". The asparagine amino acid residue is found in multiple mammalian species, which suggests that this missense change does not adversely affect protein function. In summary, the available evidence is currently insufficient to determine the role of this variant in disease. Therefore, it has been classified as a Variant of Uncertain Significance.

Ambry Genetics
Classification: Uncertain significance for Inborn genetic diseases. Last evaluated: 2022-05-26. Review status: criteria provided, single submitter. Criteria: Ambry Variant Classification Scheme 2023. Collection method: clinical testing. Allele origin: germline.